The following is an entry in ClinVar:

ClinVar aggregate classification (germline): Uncertain significance (1 of 4 stars; one submission).

Conditions:
Long QT syndrome (LQTS). Identifiers: MedGen C0023976, MeSH D008133, MONDO:0002442. Disease mechanism: loss of function. Inheritance: Various modes of inheritance.

gnomAD v4.1: 2 of 1,613,928 alleles (0.00012%); highest among the groups gnomAD compares: Admixed American, 0.0017%; no homozygotes.

Submission:

Labcorp Genetics (formerly Invitae), Labcorp
Classification: Uncertain significance for Long QT syndrome. Last evaluated: 2023-03-09. Review status: criteria provided, single submitter. Criteria: Invitae Variant Classification Sherloc (09022015). Collection method: clinical testing. Allele origin: germline.
Comment: In summary, the available evidence is currently insufficient to determine the role of this variant in disease. Therefore, it has been classified as a Variant of Uncertain Significance. An algorithm developed to predict the effect of missense changes on protein structure and function (PolyPhen-2) suggests that this variant is likely to be disruptive. This variant has not been reported in the literature in individuals affected with ANK2-related conditions. This variant is present in population databases (no rsID available, gnomAD 0.003%). This sequence change replaces proline, which is neutral and non-polar, with alanine, which is neutral and non-polar, at codon 2251 of the ANK2 protein (p.Pro2251Ala).

NM_001148.6(ANK2):c.6751C>G (p.Pro2251Ala)

Gene: ANK2 (ankyrin 2; plus strand). Cytogenetic location: 4q26.
Variant type: single nucleotide variant.
Coding change: c.6751C>G on transcript NM_001148.6 (MANE Select); coding-DNA position 6751, C replaced by G.
Protein change: p.Pro2251Ala; replaces proline 2251 with alanine.
Molecular consequence: missense variant. On other transcripts: intron variant (68).
Genome position (GRCh38, 1-based): chr4:113,355,369, C>G. VCF-style: chr4-113355369-C-G. GRCh37 (hg19) VCF-style: chr4-114276525-C-G.
Other names: c.6517C>G, p.Pro2173Ala (NM_001386142.1); c.3151C>G, p.Pro1051Ala (NM_001386166.1); c.6892C>G, p.Pro2298Ala (NM_001386174.1); c.6868C>G, p.Pro2290Ala (NM_001386175.1); c.4411+5120C>G (NM_001386186.2, NM_001386148.2); c.4213+5120C>G (NM_001354269.3); c.4291+5120C>G (NM_001386187.2); c.4252+5120C>G (NM_001386147.1); and 35 more; short protein forms P2173A, P2298A, P1051A, P2251A, P2290A.
Identifiers: ClinVar variation 2898785 (VCV002898785.3), dbSNP rs1471972343, ClinGen allele CA357925458.